The following is an entry in ClinVar:

ClinVar aggregate classification (germline): Uncertain significance (1 of 4 stars; one submission).

Conditions:
Nemaline myopathy 6 (NEM6). Also called: Nemaline myopathy 6, autosomal dominant. Identifiers: Orphanet 171439, MedGen C1836472, MONDO:0012237, OMIM 609273.

gnomAD v4.1: 5 of 1,509,918 alleles (0.00033%); highest among the groups gnomAD compares: Non-Finnish European, 0.00044%; no homozygotes.

Submission:

Labcorp Genetics (formerly Invitae), Labcorp
Classification: Uncertain significance for Nemaline myopathy 6. Last evaluated: 2024-02-06. Review status: criteria provided, single submitter. Criteria: Invitae Variant Classification Sherloc (09022015). Collection method: clinical testing. Allele origin: germline.
Comment: This sequence change replaces alanine, which is neutral and non-polar, with proline, which is neutral and non-polar, at codon 186 of the KBTBD13 protein (p.Ala186Pro). This variant is not present in population databases (gnomAD no frequency). This variant has not been reported in the literature in individuals affected with KBTBD13-related conditions. Advanced modeling of protein sequence and biophysical properties (such as structural, functional, and spatial information, amino acid conservation, physicochemical variation, residue mobility, and thermodynamic stability) performed at Invitae indicates that this missense variant is not expected to disrupt KBTBD13 protein function with a negative predictive value of 80%. In summary, the available evidence is currently insufficient to determine the role of this variant in disease. Therefore, it has been classified as a Variant of Uncertain Significance.

NM_001101362.3(KBTBD13):c.556G>C (p.Ala186Pro)

Gene: KBTBD13 (kelch repeat and BTB domain containing 13; plus strand). Cytogenetic location: 15q22.31.
Variant type: single nucleotide variant.
Coding change: c.556G>C on transcript NM_001101362.3 (MANE Select); coding-DNA position 556, G replaced by C.
Protein change: p.Ala186Pro; replaces alanine 186 with proline.
Molecular consequence: missense variant.
Genome position (GRCh38, 1-based): chr15:65,077,371, G>C. VCF-style: chr15-65077371-G-C. GRCh37 (hg19) VCF-style: chr15-65369709-G-C.
Other names: short protein forms A186P.
Identifiers: ClinVar variation 3652416 (VCV003652416.2).